The following is an entry in ClinVar:

ClinVar aggregate classification (germline): Likely benign (1 of 4 stars; one submission).

Submission:

CeGaT Center for Human Genetics Tuebingen
Classification: Likely benign. Last evaluated: 2023-04-01. Review status: criteria provided, single submitter. Criteria: CeGaT Center For Human Genetics Tuebingen Variant Classification Criteria Version 2. Collection method: clinical testing. Allele origin: germline. Affected: yes. Observed: 3 variant alleles.
Comment: MEF2C: BS1

NM_002397.5(MEF2C):c.-207C>T

Gene: MEF2C (myocyte enhancer factor 2C; minus strand). Cytogenetic location: 5q14.3.
Variant type: single nucleotide variant.
Coding change: c.-207C>T on transcript NM_002397.5 (MANE Select); 207 bases upstream of the start codon, C replaced by T.
Molecular consequence: 5 prime UTR variant. On other transcripts: intron variant (7).
Genome position (GRCh38, 1-based): chr5:88,883,019, G>A on the plus strand (C>T on the coding strand, the complement: MEF2C is on the minus strand). VCF-style: chr5-88883019-G-A. GRCh37 (hg19) VCF-style: chr5-88178836-G-A.
Other names: c.-207C>T (NM_001193349.3, NM_001308002.3, NM_001364336.2 and 5 more transcripts); c.-204C>T (NM_001193350.2, NM_001364332.2, NM_001364333.2 and 8 more transcripts); c.-303C>T (NM_001364331.2); c.-140+4483C>T (NM_001364329.2, NM_001364334.2); c.-143+4483C>T (NM_001364330.2, NM_001131005.2, NM_001193347.1); c.-143+1470C>T (NM_001364345.2, NM_001364335.2).
Identifiers: ClinVar variation 2571225 (VCV002571225.27), dbSNP rs200560914, ClinGen allele CA10625267.
Genomic context (GRCh38, chr5:88,883,019, plus strand): 5'-AGGAAGACCCGATCAGATTAGTCCTTGGGATATTTTCCTTTCTTAAGAGAGAGAGAGAGA[G>A]AAAAAAAAAATAACAACAATAATCTTTACTTCGTCCAGCGTTGAAGTGCTTCTCCACCTG-3'